The following is an entry in ClinVar:

ClinVar aggregate classification (germline): Uncertain significance (1 of 4 stars; one submission).

Submission:

Clinical Genomics Laboratory, Washington University in St. Louis
Classification: Uncertain significance. Last evaluated: 2024-10-25. Review status: criteria provided, single submitter. Criteria: ACMG Guidelines, 2015. Collection method: clinical testing. Allele origin: germline.
Comment: The GRIK5 c.238G>A (p.Asp80Asn) variant, to our knowledge, has not been reported in the medical literature. This variant is only observed on 2/248,208 alleles in the general population (gnomAD v.2.1.1), indicating it is not a common variant. Computational predictors are uncertain as to the impact of this variant on GRIK5 function. Due to limited information, the clinical significance of this variant is uncertain.

NM_002088.5(GRIK5):c.238G>A (p.Asp80Asn)

Gene: GRIK5 (glutamate ionotropic receptor kainate type subunit 5; minus strand). Cytogenetic location: 19q13.2.
Variant type: single nucleotide variant.
Coding change: c.238G>A on transcript NM_002088.5 (MANE Select); coding-DNA position 238, G replaced by A.
Protein change: p.Asp80Asn; replaces aspartic acid 80 with asparagine.
Molecular consequence: missense variant.
Genome position (GRCh38, 1-based): chr19:42,065,229, C>T on the plus strand (G>A on the coding strand, the complement: GRIK5 is on the minus strand). VCF-style: chr19-42065229-C-T. GRCh37 (hg19) VCF-style: chr19-42569381-C-T.
Other names: c.238G>A, p.Asp80Asn (NM_001301030.2); short protein forms D80N.
Identifiers: ClinVar variation 3600508 (VCV003600508.1).
Genomic context (GRCh38, chr19:42,065,229, plus strand): 5'-CTGAGGGCCACCGACCTGCCCTGCCTCACCCCACGCCCCCATGGCCCCGCTCACTGGTGT[C>T]CGTGGTCTCGTACTGGCTGTCCCGCTGCAGCTCAAAGATGTCTACTTCCACTCGGGCCTT-3'
Protein context (NP_002079.3, residues 70-90): LQRDSQYETT[Asp80Asn]TMCQILPKGV